The following is an entry in ClinVar:

ClinVar aggregate classification (germline): Pathogenic (1 of 4 stars; one submission).

Conditions:
Juvenile polyposis syndrome (JPS). Identifiers: Orphanet 2929, MedGen C0345893, MONDO:0017380, OMIM 174900.

Submission:

Labcorp Genetics (formerly Invitae), Labcorp
Classification: Pathogenic for Juvenile polyposis syndrome. Last evaluated: 2022-06-03. Review status: criteria provided, single submitter. Criteria: Invitae Variant Classification Sherloc (09022015). Collection method: clinical testing. Allele origin: germline.
Comment: This variant is a gross deletion of the genomic region encompassing exon(s) 9-10 of the BMPR1A gene. This deletion is out-of-frame, and is expected to create a premature termination codon and result in an absent or disrupted protein product. Loss-of-function variants in BMPR1A are known to be pathogenic (PMID: 11536076, 12417513). This variant has not been reported in the literature in individuals affected with BMPR1A-related conditions. For these reasons, this variant has been classified as Pathogenic.

Literature cited by the submitters: PubMed 11536076; PubMed 12417513.

NC_000010.10:g.(?_88676881)_(88679236_?)del

Gene: BMPR1A (bone morphogenetic protein receptor type 1A; plus strand). Cytogenetic location: 10q23.2.
Variant type: Deletion.
Identifiers: ClinVar variation 2425066 (VCV002425066.2).